The following is an entry in ClinVar:

NM_016333.4(SRRM2):c.5549A>G (p.Lys1850Arg)

Gene: SRRM2 (serine/arginine repetitive matrix 2; plus strand). Cytogenetic location: 16p13.3.
Variant type: single nucleotide variant.
Coding change: c.5549A>G on transcript NM_016333.4 (MANE Select); coding-DNA position 5549, A replaced by G.
Protein change: p.Lys1850Arg; replaces lysine 1850 with arginine.
Molecular consequence: missense variant.
Genome position (GRCh38, 1-based): chr16:2,766,077, A>G. VCF-style: chr16-2766077-A-G. GRCh37 (hg19) VCF-style: chr16-2816078-A-G.
Other names: short protein forms K1850R.
Identifiers: ClinVar variation 3346039 (VCV003346039.1).

ClinVar aggregate classification (germline): Uncertain significance (0 of 4 stars; one submission).

Conditions:
SRRM2-related disorder. Also called: SRRM2-related condition.

Submission:

PreventionGenetics, part of Exact Sciences
Classification: Uncertain significance for SRRM2-related condition. Last evaluated: 2024-07-03. Review status: no assertion criteria provided. Collection method: clinical testing. Allele origin: germline.
Comment: The SRRM2 c.5549A>G variant is predicted to result in the amino acid substitution p.Lys1850Arg. To our knowledge, this variant has not been reported in the literature or in a large population database, indicating this variant is rare. At this time, the clinical significance of this variant is uncertain due to the absence of conclusive functional and genetic evidence.